The following is an entry in ClinVar:

NM_001378454.1(ALMS1):c.2153A>T (p.His718Leu)

Gene: ALMS1 (ALMS1 centrosome and basal body associated protein; plus strand). Cytogenetic location: 2p13.1.
Variant type: single nucleotide variant.
Coding change: c.2153A>T on transcript NM_001378454.1 (MANE Select); coding-DNA position 2153, A replaced by T.
Protein change: p.His718Leu; replaces histidine 718 with leucine.
Molecular consequence: missense variant.
Genome position (GRCh38, 1-based): chr2:73,448,680, A>T. VCF-style: chr2-73448680-A-T. GRCh37 (hg19) VCF-style: chr2-73675807-A-T.
Other names: c.2156A>T, p.His719Leu (NM_015120.4); short protein forms H719L, H718L.
Identifiers: ClinVar variation 1486745 (VCV001486745.6), dbSNP rs1182404684, ClinGen allele CA347266947.

ClinVar aggregate classification (germline): Uncertain significance (1 of 4 stars; one submission).

Conditions:
Alstrom syndrome (ALMS). Identifiers: Orphanet 64, MedGen C0268425, MONDO:0008763, OMIM 203800.

Submission:

Labcorp Genetics (formerly Invitae), Labcorp
Classification: Uncertain significance for Alstrom syndrome. Last evaluated: 2022-06-27. Review status: criteria provided, single submitter. Criteria: Invitae Variant Classification Sherloc (09022015). Collection method: clinical testing. Allele origin: germline.
Comment: This sequence change replaces histidine, which is basic and polar, with leucine, which is neutral and non-polar, at codon 719 of the ALMS1 protein (p.His719Leu). This variant is not present in population databases (gnomAD no frequency). This variant has not been reported in the literature in individuals affected with ALMS1-related conditions. Experimental studies and prediction algorithms are not available or were not evaluated, and the functional significance of this variant is currently unknown. In summary, the available evidence is currently insufficient to determine the role of this variant in disease. Therefore, it has been classified as a Variant of Uncertain Significance.